The following is an entry in ClinVar:

ClinVar aggregate classification (germline): Pathogenic (1 of 4 stars; one submission).

Conditions:
Mucopolysaccharidosis, MPS-III-D (MPS3D). Also called: Mucopoly-saccharidosis type 3D; N-acetylglucosamine-6-sulfate sulfatase deficiency; MPS 3D; MPS IIID (Sanfilippo Syndrome Type D); MUCOPOLYSACCHARIDOSIS, TYPE IIID; N-ACETYLGLUCOSAMINE-6-SULFATASE DEFICIENCY. Identifiers: Orphanet 581, Orphanet 79272, MedGen C0086650, MONDO:0009658, OMIM 252940.

Submission:

Labcorp Genetics (formerly Invitae), Labcorp
Classification: Pathogenic for Mucopolysaccharidosis, MPS-III-D. Last evaluated: 2021-02-02. Review status: criteria provided, single submitter. Criteria: Invitae Variant Classification Sherloc (09022015). Collection method: clinical testing. Allele origin: germline.
Comment: This sequence change creates a premature translational stop signal (p.Val40Trpfs*25) in the GNS gene. It is expected to result in an absent or disrupted protein product. Loss-of-function variants in GNS are known to be pathogenic (PMID: 20232353). This variant is not present in population databases (ExAC no frequency). For these reasons, this variant has been classified as Pathogenic. This variant has not been reported in the literature in individuals with GNS-related conditions.

Literature cited by the submitters: PubMed 20232353.

NM_002076.4(GNS):c.118del (p.Val40fs)

Gene: GNS (glucosamine (N-acetyl)-6-sulfatase; minus strand). Cytogenetic location: 12q14.3.
Variant type: Deletion.
Coding change: c.118del on transcript NM_002076.4 (MANE Select); coding-DNA position 118, one base deleted (G; older notation c.118delG).
Protein change: p.Val40fs; shifts the reading frame from valine 40.
Molecular consequence: frameshift variant.
Genome position (GRCh38, 1-based): chr12:64,759,159, C deleted on the plus strand (G on the coding strand, the reverse complement: GNS is on the minus strand); the first of 4 consecutive C bases (chr12:64,759,159-64,759,162); deleting any one gives the same sequence. VCF-style (leftmost placement, unchanged base first): chr12-64759158-AC-A. GRCh37 (hg19) VCF-style: chr12-65152938-AC-A.
Other names: short protein forms V40fs.
Identifiers: ClinVar variation 1408205 (VCV001408205.6), dbSNP rs2136259376, ClinGen allele CA2573148958.